The following is an entry in ClinVar:

NM_012330.4(KAT6B):c.2232-6dup

Gene: KAT6B (lysine acetyltransferase 6B; plus strand). Cytogenetic location: 10q22.2.
Variant type: Duplication.
Coding change: c.2232-6dup on transcript NM_012330.4 (MANE Select); 6 bases into the intron before coding-DNA position 2232, one base duplicated (T; older notation c.2232-6dupT).
Molecular consequence: intron variant.
Genome position (GRCh38, 1-based): chr10:74,981,781, T duplicated; the last of 3 consecutive T bases (chr10:74,981,779-74,981,781); duplicating any one gives the same sequence. VCF-style (leftmost placement, unchanged base first): chr10-74981778-C-CT. GRCh37 (hg19) VCF-style: chr10-76741536-C-CT.
Other names: c.1356-6dup (NM_001370139.1, NM_001370140.1, NM_001370141.1 and 3 more transcripts); c.2232-6dup (NM_001370136.1, NM_001370137.1); c.1683-6dup (NM_001370138.1, NM_001256468.2); c.847-7238dup (NM_001370133.1); c.309-6dup (NM_001370134.1); c.1167-6dup (NM_001370143.1, NM_001370144.1); c.193-7238dup (NM_001370135.1).
Identifiers: ClinVar variation 1541871 (VCV001541871.15), dbSNP rs1326976101, ClinGen allele CA594401365.

ClinVar aggregate classification (germline): Likely benign. Review status: criteria provided, multiple submitters, no conflicts (2 of 4 stars). 2 submissions from 2 submitters: Likely benign (2). Last evaluated 2025-09-01.

Conditions:
Genitopatellar syndrome (GTPTS). Also called: ABSENT PATELLAE, SCROTAL HYPOPLASIA, RENAL ANOMALIES, FACIAL DYSMORPHISM, AND MENTAL RETARDATION; Genitopatellar syndrome (GPS). Identifiers: Orphanet 85201, MedGen C1853566, MONDO:0011640, OMIM 606170.

Submissions (2):

CeGaT Center for Human Genetics Tuebingen
Classification: Likely benign. Last evaluated: 2025-09-01. Review status: criteria provided, single submitter. Criteria: CeGaT Center For Human Genetics Tuebingen Variant Classification Criteria Version 2. Collection method: clinical testing. Allele origin: germline. Affected: yes. Observed: 1 variant allele.
Comment: KAT6B: BP4

Labcorp Genetics (formerly Invitae), Labcorp
Classification: Likely benign for Genitopatellar syndrome. Last evaluated: 2024-02-06. Review status: criteria provided, single submitter. Criteria: Invitae Variant Classification Sherloc (09022015). Collection method: clinical testing. Allele origin: germline.